The following is an entry in ClinVar:

NM_001271.4(CHD2):c.294+3A>G

Gene: CHD2 (chromodomain helicase DNA binding protein 2; plus strand). Cytogenetic location: 15q26.1.
Variant type: single nucleotide variant.
Coding change: c.294+3A>G on transcript NM_001271.4 (MANE Select); 3 bases into the intron after coding-DNA position 294, A replaced by G.
Molecular consequence: intron variant.
Genome position (GRCh38, 1-based): chr15:92,924,555, A>G. VCF-style: chr15-92924555-A-G. GRCh37 (hg19) VCF-style: chr15-93467785-A-G.
Other names: c.294+3A>G (NM_001042572.3).
Identifiers: ClinVar variation 1370206 (VCV001370206.8), dbSNP rs2141746246, ClinGen allele CA2573151493.

ClinVar aggregate classification (germline): Pathogenic (1 of 4 stars; one submission).

Conditions:
Developmental and epileptic encephalopathy 94 (DEE94). Also called: CHD2-Related Neurodevelopmental Disorders; Epileptic encephalopathy, childhood-onset. Identifiers: Orphanet 1942, Orphanet 2382, MedGen C3809278, MONDO:0014150, OMIM 615369.

Submission:

Labcorp Genetics (formerly Invitae), Labcorp
Classification: Pathogenic for Developmental and epileptic encephalopathy 94. Last evaluated: 2021-04-25. Review status: criteria provided, single submitter. Criteria: Invitae Variant Classification Sherloc (09022015). Collection method: clinical testing. Allele origin: germline.
Comment: For these reasons, this variant has been classified as Pathogenic. Nucleotide substitutions within the consensus splice site are a relatively common cause of aberrant splicing (PMID: 17576681, 9536098). Algorithms developed to predict the effect of sequence changes on RNA splicing suggest that this variant may disrupt the consensus splice site, but this prediction has not been confirmed by published transcriptional studies. This variant has been observed in individual(s) with clinical features of CHD2-related conditions (Invitae). In at least one individual the variant was observed to be de novo. This variant is not present in population databases (ExAC no frequency). This sequence change falls in intron 3 of the CHD2 gene. It does not directly change the encoded amino acid sequence of the CHD2 protein. It affects a nucleotide within the consensus splice site of the intron.

Literature cited by the submitters: PubMed 17576681; PubMed 9536098.